The following is an entry in ClinVar:

ClinVar aggregate classification (germline): Uncertain significance (1 of 4 stars; one submission).

Conditions:
Luscan-Lumish syndrome. Identifiers: Orphanet 597738, MedGen C4085873, MONDO:0014791, OMIM 616831.

Allele frequency attached by ClinVar (database versions not stated): gnomAD exomes below 0.00001.

Submission:

Labcorp Genetics (formerly Invitae), Labcorp
Classification: Uncertain significance for Luscan-Lumish syndrome. Last evaluated: 2024-10-10. Review status: criteria provided, single submitter. Criteria: Invitae Variant Classification Sherloc (09022015). Collection method: clinical testing. Allele origin: germline.
Comment: This sequence change replaces cysteine, which is neutral and slightly polar, with tyrosine, which is neutral and polar, at codon 687 of the SETD2 protein (p.Cys687Tyr). This variant is not present in population databases (gnomAD no frequency). This variant has not been reported in the literature in individuals affected with SETD2-related conditions. ClinVar contains an entry for this variant (Variation ID: 1006841). Invitae Evidence Modeling of protein sequence and biophysical properties (such as structural, functional, and spatial information, amino acid conservation, physicochemical variation, residue mobility, and thermodynamic stability) indicates that this missense variant is not expected to disrupt SETD2 protein function with a negative predictive value of 80%. In summary, the available evidence is currently insufficient to determine the role of this variant in disease. Therefore, it has been classified as a Variant of Uncertain Significance.

NM_014159.7(SETD2):c.2060G>A (p.Cys687Tyr)

Gene: SETD2 (SET domain containing 2, histone lysine methyltransferase; minus strand). Cytogenetic location: 3p21.31.
Variant type: single nucleotide variant.
Coding change: c.2060G>A on transcript NM_014159.7 (MANE Select); coding-DNA position 2060, G replaced by A.
Protein change: p.Cys687Tyr; replaces cysteine 687 with tyrosine.
Molecular consequence: missense variant. On other transcripts: non-coding transcript variant (1).
Genome position (GRCh38, 1-based): chr3:47,122,576, C>T on the plus strand (G>A on the coding strand, the complement: SETD2 is on the minus strand). VCF-style: chr3-47122576-C-T. GRCh37 (hg19) VCF-style: chr3-47164066-C-T.
Other names: c.1928G>A, p.Cys643Tyr (NM_001349370.3); short protein forms C643Y, C687Y.
Identifiers: ClinVar variation 1006841 (VCV001006841.5), dbSNP rs2043143411, ClinGen allele CA352528031.